The following is an entry in ClinVar:

ClinVar aggregate classification (germline): Benign (1 of 4 stars; one submission).

Allele frequency attached by ClinVar (database versions not stated): gnomAD 0.26367; TOPMed 0.27637; 1000 Genomes Project 0.32609.

Submission:

GeneDx
Classification: Benign. Last evaluated: 2018-06-19. Review status: criteria provided, single submitter. Criteria: GeneDx Variant Classification (06012015). Collection method: clinical testing. Allele origin: germline. Affected: yes.
Comment: This variant is considered likely benign or benign based on one or more of the following criteria: it is a conservative change, it occurs at a poorly conserved position in the protein, it is predicted to be benign by multiple in silico algorithms, and/or has population frequency not consistent with disease.

NM_000291.3(PGK1):c.-516G>A

Gene: PGK1 (phosphoglycerate kinase 1; plus strand). Cytogenetic location: Xq21.1.
Variant type: single nucleotide variant.
Coding change: c.-516G>A on transcript NM_000291.3; 516 bases upstream of the start codon, G replaced by A.
Genome position (GRCh38, 1-based): chrX:78,103,825, G>A. VCF-style: chrX-78103825-G-A. GRCh37 (hg19) VCF-style: chrX-77359322-G-A.
Identifiers: ClinVar variation 683511 (VCV000683511.3), dbSNP rs2076628, ClinGen allele CA15009064.